The following is an entry in ClinVar:

NM_004333.6(BRAF):c.1354A>C (p.Ile452Leu)

Gene: BRAF (B-Raf proto-oncogene, serine/threonine kinase; minus strand). Cytogenetic location: 7q34.
Variant type: single nucleotide variant.
Coding change: c.1354A>C on transcript NM_004333.6 (MANE Select); coding-DNA position 1354, A replaced by C.
Protein change: p.Ile452Leu; replaces isoleucine 452 with leucine.
Molecular consequence: missense variant.
Genome position (GRCh38, 1-based): chr7:140,781,654, T>G on the plus strand (A>C on the coding strand, the complement: BRAF is on the minus strand). VCF-style: chr7-140781654-T-G. GRCh37 (hg19) VCF-style: chr7-140481454-T-G.
Other names: c.1354A>C, p.Ile452Leu (NM_001354609.2, NM_001378468.1, NM_001378474.1); c.1474A>C, p.Ile492Leu (NM_001374244.1, NM_001374258.1); c.1363A>C, p.Ile455Leu (NM_001378467.1); c.1288A>C, p.Ile430Leu (NM_001378469.1); c.1252A>C, p.Ile418Leu (NM_001378470.1); c.1243A>C, p.Ile415Leu (NM_001378471.1); c.1198A>C, p.Ile400Leu (NM_001378472.1, NM_001378473.1); c.1090A>C, p.Ile364Leu (NM_001378475.1); short protein forms I430L, I364L, I415L, I492L, I400L, I418L, I452L, I455L.
Identifiers: ClinVar variation 2800784 (VCV002800784.3), dbSNP rs2129023830, ClinGen allele CA369588975.

ClinVar aggregate classification (germline): Uncertain significance (1 of 4 stars; one submission).

Conditions:
RASopathy. Also called: rasopathies; Noonan spectrum disorder. Identifiers: Orphanet 536391, MedGen C5555857, MONDO:0021060.

Submission:

Labcorp Genetics (formerly Invitae), Labcorp
Classification: Uncertain significance for RASopathy. Last evaluated: 2023-05-09. Review status: criteria provided, single submitter. Criteria: Invitae Variant Classification Sherloc (09022015). Collection method: clinical testing. Allele origin: germline.
Comment: This variant is not present in population databases (gnomAD no frequency). This sequence change replaces isoleucine, which is neutral and non-polar, with leucine, which is neutral and non-polar, at codon 452 of the BRAF protein (p.Ile452Leu). This variant has not been reported in the literature in individuals affected with BRAF-related conditions. In summary, the available evidence is currently insufficient to determine the role of this variant in disease. Therefore, it has been classified as a Variant of Uncertain Significance. Advanced modeling of protein sequence and biophysical properties (such as structural, functional, and spatial information, amino acid conservation, physicochemical variation, residue mobility, and thermodynamic stability) performed at Invitae indicates that this missense variant is not expected to disrupt BRAF protein function.